The following is an entry in ClinVar:

NM_031475.3(ESPN):c.1702T>C (p.Ser568Pro)

Gene: ESPN (espin; plus strand). Cytogenetic location: 1p36.31.
Variant type: single nucleotide variant.
Coding change: c.1702T>C on transcript NM_031475.3 (MANE Select); coding-DNA position 1702, T replaced by C.
Protein change: p.Ser568Pro; replaces serine 568 with proline.
Molecular consequence: missense variant. On other transcripts: intron variant (2).
Genome position (GRCh38, 1-based): chr1:6,448,878, T>C. VCF-style: chr1-6448878-T-C. GRCh37 (hg19) VCF-style: chr1-6508938-T-C.
Other names: c.1627-15T>C (NM_001367474.1, NM_001367473.1); short protein forms S568P.
Identifiers: ClinVar variation 2576922 (VCV002576922.1), dbSNP rs1382527684, ClinGen allele CA338097276.
Genomic context (GRCh38, chr1:6,448,878, plus strand): 5'-CCCGCGCGCGCCGGCTGCCCGCGCCTCGGCCCTGCCGCCCGCGGCTCACTCGAAGGCCCC[T>C]CCGCTCCCCCGCAGGCGGCGCTGCTTCCTGGGAACCATGTTCCTAACGGCTGCGCCGCGG-3'
Protein context (NP_113663.2, residues 558-578): PAARGSLEGP[Ser568Pro]APPQAALLPG

ClinVar aggregate classification (germline): Uncertain significance (1 of 4 stars; one submission).

Submission:

GeneDx
Classification: Uncertain significance. Last evaluated: 2023-02-21. Review status: criteria provided, single submitter. Criteria: GeneDx Variant Classification Process June 2021. Collection method: clinical testing. Allele origin: germline. Affected: yes.
Comment: Not observed at significant frequency in large population cohorts (gnomAD); In silico analysis supports that this missense variant does not alter protein structure/function; Has not been previously published as pathogenic or benign to our knowledge